The following is an entry in ClinVar:

ClinVar aggregate classification (germline): Uncertain significance (1 of 4 stars; one submission).

Conditions:
Inborn genetic diseases. Identifiers: MedGen C0950123, MeSH D030342.

Submission:

Ambry Genetics
Classification: Uncertain significance for Inborn genetic diseases. Last evaluated: 2024-09-30. Review status: criteria provided, single submitter. Criteria: Ambry Variant Classification Scheme 2023. Collection method: clinical testing. Allele origin: germline.
Comment: The p.L1203V variant (also known as c.3607C>G), located in coding exon 19 of the ATR gene, results from a C to G substitution at nucleotide position 3607. The leucine at codon 1203 is replaced by valine, an amino acid with highly similar properties. This amino acid position is conserved. In addition, this alteration is predicted to be tolerated by in silico analysis. Based on the available evidence, the clinical significance of this variant remains unclear.

NM_001184.4(ATR):c.3607C>G (p.Leu1203Val)

Gene: ATR (ATR serine/threonine kinase; minus strand). Cytogenetic location: 3q23.
Variant type: single nucleotide variant.
Coding change: c.3607C>G on transcript NM_001184.4 (MANE Select); coding-DNA position 3607, C replaced by G.
Protein change: p.Leu1203Val; replaces leucine 1203 with valine.
Molecular consequence: missense variant.
Genome position (GRCh38, 1-based): chr3:142,538,600, G>C on the plus strand (C>G on the coding strand, the complement: ATR is on the minus strand). VCF-style: chr3-142538600-G-C. GRCh37 (hg19) VCF-style: chr3-142257442-G-C.
Other names: c.3415C>G, p.Leu1139Val (NM_001354579.2); short protein forms L1203V, L1139V.
Identifiers: ClinVar variation 3462881 (VCV003462881.1).